The following is an entry in ClinVar:

NM_014491.4(FOXP2):c.1903dup (p.Ser635fs)

Gene: FOXP2 (forkhead box P2; plus strand). Cytogenetic location: 7q31.1.
Variant type: Duplication.
Coding change: c.1903dup on transcript NM_014491.4 (MANE Select); coding-DNA position 1903, one base duplicated (A; older notation c.1903dupA).
Protein change: p.Ser635fs; shifts the reading frame from serine 635.
Molecular consequence: frameshift variant. On other transcripts: non-coding transcript variant (2).
Genome position (GRCh38, 1-based): chr7:114,664,336, A duplicated. VCF-style (leftmost placement, unchanged base first): chr7-114664335-C-CA. GRCh37 (hg19) VCF-style: chr7-114304390-C-CA.
Other names: c.1900dup, p.Ser634fs (NM_001172766.3); c.1978dup, p.Ser660fs (NM_148898.4); c.1954dup, p.Ser652fs (NM_148900.4); short protein forms S634fs, S635fs, S652fs, S660fs.
Identifiers: ClinVar variation 4755870 (VCV004755870.1).
Genomic context (GRCh38, chr7:114,664,335, plus strand): 5'-TGCCTTGGCAGAGAGCAGTTTACCTTTGCTAAGTAATCCTGGACTGATAAATAATGCATC[C>CA]AGTGGCCTACTGCAGGCCGTCCACGAAGACCTCAATGGTTCTCTGGATCACATTGACAGC-3'

ClinVar aggregate classification (germline): Uncertain significance (1 of 4 stars; one submission).

Submission:

GeneDx
Classification: Uncertain significance. Last evaluated: 2025-08-01. Review status: criteria provided, single submitter. Criteria: GeneDx Variant Classification Process June 2021. Collection method: clinical testing. Allele origin: germline. Affected: yes.
Comment: Not observed at significant frequency in large population cohorts (gnomAD); Frameshift variant predicted to result in abnormal protein length as the last 81 amino acid(s) are replaced with 18 different amino acid(s); Has not been previously published as pathogenic or benign to our knowledge